The following is an entry in ClinVar:

NM_033100.4(CDHR1):c.13C>T (p.Arg5Trp)

Gene: CDHR1 (cadherin related family member 1; plus strand). Cytogenetic location: 10q23.1.
Variant type: single nucleotide variant.
Coding change: c.13C>T on transcript NM_033100.4 (MANE Select); coding-DNA position 13, C replaced by T.
Protein change: p.Arg5Trp; replaces arginine 5 with tryptophan.
Molecular consequence: missense variant.
Genome position (GRCh38, 1-based): chr10:84,194,773, C>T. VCF-style: chr10-84194773-C-T. GRCh37 (hg19) VCF-style: chr10-85954529-C-T.
Other names: c.13C>T, p.Arg5Trp (NM_001171971.3); short protein forms R5W.
Identifiers: ClinVar variation 1473113 (VCV001473113.6), dbSNP rs766698407, ClinGen allele CA5579375.
Genomic context (GRCh38, chr10:84,194,773, plus strand): 5'-TGCGCCCGGTCTCGGCGGCGGCAGGCGACACTCCGCGCCGGCGGAGACATGAGGCGCTGC[C>T]GGTGGGCCGCCCTGGCCCTGGGGCTGCTGCGCCTCTGCTTGGGTGAGTGGCCGCTGGGCC-3'
Protein context (NP_149091.1, residues 1-15): MRRC[Arg5Trp]WAALALGLLR

ClinVar aggregate classification (germline): Uncertain significance. Review status: criteria provided, multiple submitters, no conflicts (2 of 4 stars). 2 submissions from 2 submitters: Uncertain significance (2). Last evaluated 2022-07-05.

Allele frequency attached by ClinVar (database versions not stated): gnomAD 0.00001; TOPMed 0.00001.

Submissions (2):

Labcorp Genetics (formerly Invitae), Labcorp
Classification: Uncertain significance. Last evaluated: 2022-07-05. Review status: criteria provided, single submitter. Criteria: Invitae Variant Classification Sherloc (09022015). Collection method: clinical testing. Allele origin: germline.
Comment: This sequence change replaces arginine, which is basic and polar, with tryptophan, which is neutral and slightly polar, at codon 5 of the CDHR1 protein (p.Arg5Trp). This variant is present in population databases (rs766698407, gnomAD 0.002%). This variant has not been reported in the literature in individuals affected with CDHR1-related conditions. ClinVar contains an entry for this variant (Variation ID: 1473113). Advanced modeling of protein sequence and biophysical properties (such as structural, functional, and spatial information, amino acid conservation, physicochemical variation, residue mobility, and thermodynamic stability) performed at Invitae indicates that this missense variant is not expected to disrupt CDHR1 protein function. In summary, the available evidence is currently insufficient to determine the role of this variant in disease. Therefore, it has been classified as a Variant of Uncertain Significance.

Blueprint Genetics
Classification: Uncertain significance. Last evaluated: 2019-11-28. Review status: criteria provided, single submitter. Criteria: ACMG Guidelines, 2015. Collection method: clinical testing. Allele origin: germline.